The following is an entry in ClinVar:

GRCh38/hg38 22q12.3-13.1(chr22:36552376-37669915)x1

Genes: C1QTNF6 (C1q and TNF related 6; minus strand), CACNG2 (calcium voltage-gated channel auxiliary subunit gamma 2; minus strand), CACNG2-DT (CACNG2 divergent transcript; plus strand), CARD10 (caspase recruitment domain family member 10; minus strand), CDC42EP1 (CDC42 effector protein 1; plus strand) and 91 more. Cytogenetic location: 22q12.3-13.1.
Variant type: copy number loss.
Change: copy number 1 (one copy instead of two) of chr22:36,552,376-37,669,915 (1.12 Mb, GRCh38 coordinates, 1-based), cytogenetic band 22q12.3-13.1.
Identifiers: ClinVar variation 57630 (VCV000057630.1).

ClinVar aggregate classification (germline): Pathogenic (1 of 4 stars; one submission).

Submission:

ISCA site 17
Classification: Pathogenic. Last evaluated: 2011-08-12. Review status: criteria provided, single submitter. Criteria: Kaminsky et al. (Genet Med. 2011). Collection method: clinical testing. Allele origin: unknown. Affected: yes. Observed: 1 variant allele.
Comment: Copy number variation identified through the course of routine clinical cytogenomic testing in postnatal populations. Clinical assertions have been curated as described in Kaminsky et al. 2011.